The following is an entry in ClinVar:

ClinVar aggregate classification (germline): Uncertain significance (1 of 4 stars; one submission).

Conditions:
AHDC1-related intellectual disability - obstructive sleep apnea - mild dysmorphism syndrome. Also called: Xia-Gibbs syndrome. Identifiers: Orphanet 412069, MedGen C4014419, MONDO:0014358, OMIM 615829.

Submission:

Laboratorio de Genetica e Diagnostico Molecular, Hospital Israelita Albert Einstein
Classification: Uncertain significance for AHDC1-related intellectual disability - obstructive sleep apnea - mild dysmorphism syndrome. Last evaluated: 2024-03-15. Review status: criteria provided, single submitter. Criteria: ACMG Guidelines, 2015. Collection method: clinical testing. Allele origin: germline. Affected: yes.
Comment: ACMG classification criteria: PM2 supporting, BP4 supporting

NM_001371928.1(AHDC1):c.446G>A (p.Gly149Glu)

Gene: AHDC1 (AT-hook DNA binding motif containing 1; minus strand). Cytogenetic location: 1p36.11.
Variant type: single nucleotide variant.
Coding change: c.446G>A on transcript NM_001371928.1 (MANE Select); coding-DNA position 446, G replaced by A.
Protein change: p.Gly149Glu; replaces glycine 149 with glutamic acid.
Molecular consequence: missense variant.
Genome position (GRCh38, 1-based): chr1:27,551,670, C>T on the plus strand (G>A on the coding strand, the complement: AHDC1 is on the minus strand). VCF-style: chr1-27551670-C-T. GRCh37 (hg19) VCF-style: chr1-27878181-C-T.
Other names: c.446G>A, p.Gly149Glu (NM_001029882.3); short protein forms G149E.
Identifiers: ClinVar variation 3901021 (VCV003901021.1).